The following is an entry in ClinVar:

NM_015072.5(TTLL5):c.1245T>A (p.Phe415Leu)

Gene: TTLL5 (tubulin tyrosine ligase like 5; plus strand). Cytogenetic location: 14q24.3.
Variant type: single nucleotide variant.
Coding change: c.1245T>A on transcript NM_015072.5 (MANE Select); coding-DNA position 1245, T replaced by A.
Protein change: p.Phe415Leu; replaces phenylalanine 415 with leucine.
Molecular consequence: missense variant.
Genome position (GRCh38, 1-based): chr14:75,735,253, T>A. VCF-style: chr14-75735253-T-A. GRCh37 (hg19) VCF-style: chr14-76201596-T-A.
Other names: short protein forms F415L.
Identifiers: ClinVar variation 1473808 (VCV001473808.8), dbSNP rs1394272444, ClinGen allele CA390461868.

ClinVar aggregate classification (germline): Uncertain significance (1 of 4 stars; one submission).

Allele frequency attached by ClinVar (database versions not stated): gnomAD exomes below 0.00001.
gnomAD v4.1: 4 of 1,614,224 alleles (0.00025%); highest among the groups gnomAD compares: Non-Finnish European, 0.00034%; no homozygotes.

Submission:

Labcorp Genetics (formerly Invitae), Labcorp
Classification: Uncertain significance. Last evaluated: 2025-03-17. Review status: criteria provided, single submitter. Criteria: Invitae Variant Classification Sherloc (09022015). Collection method: clinical testing. Allele origin: germline.
Comment: This sequence change replaces phenylalanine, which is neutral and non-polar, with leucine, which is neutral and non-polar, at codon 415 of the TTLL5 protein (p.Phe415Leu). This variant is present in population databases (no rsID available, gnomAD 0.0009%). This variant has not been reported in the literature in individuals affected with TTLL5-related conditions. ClinVar contains an entry for this variant (Variation ID: 1473808). Invitae Evidence Modeling of protein sequence and biophysical properties (such as structural, functional, and spatial information, amino acid conservation, physicochemical variation, residue mobility, and thermodynamic stability) indicates that this missense variant is not expected to disrupt TTLL5 protein function with a negative predictive value of 80%. In summary, the available evidence is currently insufficient to determine the role of this variant in disease. Therefore, it has been classified as a Variant of Uncertain Significance.